The following is an entry in ClinVar:

ClinVar aggregate classification (germline): Uncertain significance (1 of 4 stars; one submission).

Conditions:
Epilepsy, progressive myoclonic, 1B. Also called: PME. Identifiers: Orphanet 308, MedGen C2676254, MONDO:0012904, OMIM 612437.

Allele frequency attached by ClinVar (database versions not stated): ExAC 0.00001; gnomAD 0.00001.
gnomAD v4.1: 11 of 1,605,134 alleles (0.00069%); highest among the groups gnomAD compares: Non-Finnish European, 0.00043%; no homozygotes.

Submission:

Labcorp Genetics (formerly Invitae), Labcorp
Classification: Uncertain significance for Epilepsy, progressive myoclonic, 1B. Last evaluated: 2021-09-24. Review status: criteria provided, single submitter. Criteria: Invitae Variant Classification Sherloc (09022015). Collection method: clinical testing. Allele origin: germline.
Comment: This sequence change replaces arginine with tryptophan at codon 341 of the PRICKLE1 protein (p.Arg341Trp). The arginine residue is moderately conserved and there is a moderate physicochemical difference between arginine and tryptophan. This variant is present in population databases (rs759164554, ExAC 0.002%). This variant has not been reported in the literature in individuals with PRICKLE1-related conditions. Algorithms developed to predict the effect of missense changes on protein structure and function are either unavailable or do not agree on the potential impact of this missense change (SIFT: "Deleterious"; PolyPhen-2: "Possibly Damaging"; Align-GVGD: "Class C0"). In summary, the available evidence is currently insufficient to determine the role of this variant in disease. Therefore, it has been classified as a Variant of Uncertain Significance.

NM_153026.3(PRICKLE1):c.1021C>T (p.Arg341Trp)

Genes: PRICKLE1 (prickle planar cell polarity protein 1; minus strand), LOC126861509 (BRD4-independent group 4 enhancer GRCh37_chr12:42858567-42859766; plus strand). Cytogenetic location: 12q12.
Variant type: single nucleotide variant.
Coding change: c.1021C>T on transcript NM_153026.3 (MANE Select); coding-DNA position 1021, C replaced by T.
Protein change: p.Arg341Trp; replaces arginine 341 with tryptophan.
Molecular consequence: missense variant.
Genome position (GRCh38, 1-based): chr12:42,465,013, G>A on the plus strand (C>T on the coding strand, the complement: PRICKLE1 is on the minus strand). VCF-style: chr12-42465013-G-A. GRCh37 (hg19) VCF-style: chr12-42858815-G-A.
Other names: c.1021C>T, p.Arg341Trp (NM_001144881.2, NM_001144882.2, NM_001144883.2); short protein forms R341W.
Identifiers: ClinVar variation 1442672 (VCV001442672.5), dbSNP rs759164554, ClinGen allele CA6519807.